The following is an entry in ClinVar:

ClinVar aggregate classification (germline): Uncertain significance. Review status: criteria provided, multiple submitters, no conflicts (2 of 4 stars). 3 submissions from 3 submitters: Uncertain significance (3). Last evaluated 2025-07-29.

Conditions:
Cataract 45 (CTRCT45). Identifiers: Orphanet 91492, MedGen C4225182, MONDO:0014799, OMIM 616851.

Allele frequency attached by ClinVar (database versions not stated): TOPMed 0.00015; gnomAD 0.00021 and 0.00023; gnomAD exomes 0.00028; ExAC 0.00046.
gnomAD v4.1: 666 of 1,572,918 alleles (0.042%); highest among the groups gnomAD compares: Non-Finnish European, 0.052%; no homozygotes.

Submissions (3):

Labcorp Genetics (formerly Invitae), Labcorp
Classification: Uncertain significance. Last evaluated: 2025-07-29. Review status: criteria provided, single submitter. Criteria: Invitae Variant Classification Sherloc (09022015). Collection method: clinical testing. Allele origin: germline.
Comment: This sequence change replaces proline, which is neutral and non-polar, with arginine, which is basic and polar, at codon 1603 of the SIPA1L3 protein (p.Pro1603Arg). This variant is present in population databases (rs769799297, gnomAD 0.05%). This variant has not been reported in the literature in individuals affected with SIPA1L3-related conditions. ClinVar contains an entry for this variant (Variation ID: 1360785). An algorithm developed to predict the effect of missense changes on protein structure and function (PolyPhen-2) suggests that this variant is likely to be disruptive. In summary, the available evidence is currently insufficient to determine the role of this variant in disease. Therefore, it has been classified as a Variant of Uncertain Significance.

Ambry Genetics
Classification: Uncertain significance. Last evaluated: 2024-11-14. Review status: criteria provided, single submitter. Criteria: Ambry Variant Classification Scheme 2023. Collection method: clinical testing. Allele origin: germline.

Revvity Omics, Revvity
Classification: Uncertain significance for Cataract 45. Last evaluated: 2022-01-21. Review status: criteria provided, single submitter. Criteria: ACMG Guidelines, 2015. Collection method: clinical testing. Allele origin: germline.

NM_015073.3(SIPA1L3):c.4808C>G (p.Pro1603Arg)

Gene: SIPA1L3 (signal induced proliferation associated 1 like 3; plus strand). Cytogenetic location: 19q13.13.
Variant type: single nucleotide variant.
Coding change: c.4808C>G on transcript NM_015073.3 (MANE Select); coding-DNA position 4808, C replaced by G.
Protein change: p.Pro1603Arg; replaces proline 1603 with arginine.
Molecular consequence: missense variant.
Genome position (GRCh38, 1-based): chr19:38,193,748, C>G. VCF-style: chr19-38193748-C-G. GRCh37 (hg19) VCF-style: chr19-38684388-C-G.
Other names: c.4808C>G (NM_015073.1); short protein forms P1603R.
Identifiers: ClinVar variation 1360785 (VCV001360785.10), dbSNP rs769799297, ClinGen allele CA9410485.